The following is an entry in ClinVar:

ClinVar aggregate classification (germline): Uncertain significance (1 of 4 stars; one submission).

Submission:

Labcorp Genetics (formerly Invitae), Labcorp
Classification: Uncertain significance. Last evaluated: 2024-06-04. Review status: criteria provided, single submitter. Criteria: Invitae Variant Classification Sherloc (09022015). Collection method: clinical testing. Allele origin: germline.
Comment: This sequence change creates a premature translational stop signal (p.Val1643Trpfs*45) in the MYH7B gene. It is expected to result in an absent or disrupted protein product. However, the current clinical and genetic evidence is not sufficient to establish whether loss-of-function variants in MYH7B cause disease. This variant is not present in population databases (gnomAD no frequency). This variant has not been reported in the literature in individuals affected with MYH7B-related conditions. In summary, the available evidence is currently insufficient to determine the role of this variant in disease. Therefore, it has been classified as a Variant of Uncertain Significance.

NM_020884.7(MYH7B):c.4800_4821del (p.Val1601fs)

Gene: MYH7B (myosin heavy chain 7B; plus strand). Cytogenetic location: 20q11.22.
Variant type: Deletion.
Coding change: c.4800_4821del on transcript NM_020884.7 (MANE Select); coding-DNA positions 4800 to 4821, 22 bases deleted (TGTGGAGTCCCTGCAGGCCTCC).
Protein change: p.Val1601fs; shifts the reading frame from valine 1601.
Molecular consequence: frameshift variant.
Genome position (GRCh38, 1-based): chr20:35,000,311-35,000,332, TGTGGAGTCCCTGCAGGCCTCC deleted; deleting any 22 consecutive bases within chr20:35,000,310-35,000,332 gives the same sequence; the c. name uses the placement nearest the transcript's 3' end. VCF-style (leftmost placement, unchanged base first): chr20-35000309-GCTGTGGAGTCCCTGCAGGCCTC-G. GRCh37 (hg19) VCF-style: chr20-33588112-GCTGTGGAGTCCCTGCAGGCCTC-G.
Other names: short protein forms V1601fs.
Identifiers: ClinVar variation 3655569 (VCV003655569.2).